The following is an entry in ClinVar:

NM_001999.4(FBN2):c.4858_4861del (p.Thr1620fs)

Gene: FBN2 (fibrillin 2; minus strand). Cytogenetic location: 5q23.3.
Variant type: Deletion.
Coding change: c.4858_4861del on transcript NM_001999.4 (MANE Select); coding-DNA positions 4858 to 4861, 4 bases deleted (ACAT; older notation c.4858_4861delACAT).
Protein change: p.Thr1620fs; shifts the reading frame from threonine 1620.
Molecular consequence: frameshift variant.
Genome position (GRCh38, 1-based): chr5:128,312,652-128,312,655, ATGT deleted on the plus strand (ACAT on the coding strand, the reverse complement: FBN2 is on the minus strand). VCF-style (leftmost placement, unchanged base first): chr5-128312651-CATGT-C. GRCh37 (hg19) VCF-style: chr5-127648343-CATGT-C.
Other names: short protein forms T1620fs.
Identifiers: ClinVar variation 1800628 (VCV001800628.2), dbSNP rs2479743316, ClinGen allele CA2578396162.

ClinVar aggregate classification (germline): Uncertain significance (1 of 4 stars; one submission).

Submission:

GeneDx
Classification: Uncertain significance. Last evaluated: 2025-01-27. Review status: criteria provided, single submitter. Criteria: GeneDx Variant Classification Process June 2021. Collection method: clinical testing. Allele origin: germline.
Comment: Frameshift variant predicted to result in protein truncation or nonsense mediated decay in a gene or region of a gene for which loss of function is not a well-established mechanism of disease; Not observed at significant frequency in large population cohorts (gnomAD); Has not been previously published as pathogenic or benign to our knowledge